The following is an entry in ClinVar:

NM_153676.4(USH1C):c.7C>T (p.Arg3Ter)

Gene: USH1C (USH1 protein network component harmonin; minus strand). Cytogenetic location: 11p15.1.
Variant type: single nucleotide variant.
Coding change: c.7C>T on transcript NM_153676.4 (MANE Select); coding-DNA position 7, C replaced by T.
Protein change: p.Arg3Ter; replaces arginine 3 with a stop codon.
Molecular consequence: nonsense. On other transcripts: non-coding transcript variant (1).
Genome position (GRCh38, 1-based): chr11:17,544,301, G>A on the plus strand (C>T on the coding strand, the complement: USH1C is on the minus strand). VCF-style: chr11-17544301-G-A. GRCh37 (hg19) VCF-style: chr11-17565848-G-A.
Other names: c.7C>T, p.Arg3Ter (NM_001297764.2, NM_005709.4); short protein forms R3*.
Identifiers: ClinVar variation 218193 (VCV000218193.4), dbSNP rs876657624, ClinGen allele CA10575817.
Genomic context (GRCh38, chr11:17,544,301, plus strand): 5'-CCAGAAGCCTGGGGCGCCCTGCAGCTCTGACCTTATGCCGGAATTCTCGGGCCACTTTTC[G>A]GTCCATGGCTGGGCCAGGTCCAGCTGCGTCGTTGCACGACCCGTTCCTTCGGGTGCCCGG-3'

ClinVar aggregate classification (germline): Pathogenic. Review status: criteria provided, single submitter (1 of 4 stars). 2 submissions from 2 submitters: Pathogenic (1). 1 of the submissions does not count toward it.

Conditions:
Usher syndrome type 1C. Also called: USHER SYNDROME, TYPE I, ACADIAN VARIETY. Identifiers: Orphanet 231169, Orphanet 886, MedGen C1848604, MONDO:0010171, OMIM 276904.

gnomAD v4.1: 1 of 1,614,046 alleles (0.000062%); highest among the groups gnomAD compares: Non-Finnish European, 0.000085%; no homozygotes.

Submissions (2):

Juno Genomics, Hangzhou Juno Genomics, Inc
Classification: Pathogenic for Usher syndrome type 1C. Review status: criteria provided, single submitter. Criteria: ACMG Guidelines, 2015. Collection method: clinical testing. Allele origin: germline.
Comment: Absent from controls (or at extremely low frequency if recessive) in Genome Aggregation Database.;Null variant in a gene where loss of function (LOF) is a known mechanism of disease.;For recessive disorders, detected in trans with a pathogenic variant.

Centre de Biotechnologie de Sfax, Université de Sfax
Classification: Pathogenic for Usher syndrome type 1C. Last evaluated: 2015-04-01. Review status: no assertion criteria provided. Collection method: research. Allele origin: inherited. Affected: yes. Observed: 4 variant alleles. Not counted in ClinVar's aggregate classification.
Comment: This truncating mutation is expected to result in the absence of synthesized protein due to mRNA nonsense mediated decay.

Literature cited by the submitters: PubMed 27440999 (cited by Centre de Biotechnologie de Sfax, Université de Sfax).